The following is an entry in ClinVar:

ClinVar aggregate classification (germline): Conflicting classifications of pathogenicity. Review status: criteria provided, conflicting classifications (1 of 4 stars). 13 submissions from 13 submitters: Uncertain significance (7); Benign (1); Likely benign (5). Last evaluated 2026-01-24.

Conditions:
NBN-related disorder. Also called: NBN-related condition.
Hereditary cancer. Identifiers: MedGen C1333600.
Hereditary cancer-predisposing syndrome. Also called: Neoplastic Syndromes, Hereditary; Tumor predisposition; Hereditary Cancer Syndrome; Hereditary neoplastic syndrome. Identifiers: Orphanet 140162, MedGen C0027672, MeSH D009386, MONDO:0015356.
Microcephaly, normal intelligence and immunodeficiency (NBS). Also called: SEEMANOVA SYNDROME II; Microcephaly with normal intelligence immunodeficiency and lymphoreticular malignancies; Nonsyndromal microcephaly autosomal recessive with normal intelligence; Seemanova syndrome 2; IMMUNODEFICIENCY, MICROCEPHALY, AND CHROMOSOMAL INSTABILITY; Immunodeficiency, microcephaly with normal intelligence. Identifiers: Orphanet 647, MedGen C0398791, MONDO:0009623, OMIM 251260.

Allele frequency attached by ClinVar (database versions not stated): gnomAD exomes 0.00006 and 0.00017; ExAC 0.00022; gnomAD 0.00058 and 0.00059; ESP Exome Variant Server 0.00062; TOPMed 0.00074; 1000 Genomes Project 0.00120; 1000 Genomes Project 30x 0.00156.
gnomAD v4.1: 169 of 1,614,014 alleles (0.01%); highest among the groups gnomAD compares: African/African-American, 0.21%; no homozygotes.

Submissions (13):

Labcorp Genetics (formerly Invitae), Labcorp
Classification: Likely benign for Microcephaly, normal intelligence and immunodeficiency. Last evaluated: 2026-01-24. Review status: criteria provided, single submitter. Criteria: Invitae Variant Classification Sherloc (09022015). Collection method: clinical testing. Allele origin: germline.

Quest Diagnostics Nichols Institute San Juan Capistrano
Classification: Uncertain significance. Last evaluated: 2025-08-26. Review status: criteria provided, single submitter. Criteria: Quest Diagnostics criteria. Collection method: clinical testing. Allele origin: unknown.
Comment: The NBN c.788T>C (p.Phe263Ser) variant has been reported in the published literature in individuals with breast cancer (PMID: 23555315 (2013), 24549055 (2014), 25186627 (2015)), B-cell acute lymphoblastic leukemia (PMID: 38446568 (2024)), and various cancer types (PMID: 36346689 (2023)). The frequency of this variant in the general population (Genome Aggregation Database) is higher than would generally be expected for pathogenic variants in this gene. Analysis of this variant using bioinformatics tools for the prediction of the effect of amino acid changes on protein structure and function yielded predictions that this variant is damaging. Based on the available information, we are unable to determine the clinical significance of this variant.

PreventionGenetics, part of Exact Sciences
Classification: Likely benign for NBN-related condition. Last evaluated: 2025-08-11. Review status: criteria provided, single submitter. Criteria: ACMG Guidelines, 2015. Collection method: clinical testing. Allele origin: germline.
Comment: This variant is classified as likely benign based on ACMG/AMP sequence variant interpretation guidelines (Richards et al. 2015 PMID: 25741868, with internal and published modifications).

Myriad Genetics, Inc.
Classification: Uncertain significance for Microcephaly, normal intelligence and immunodeficiency. Last evaluated: 2025-07-29. Review status: criteria provided, single submitter. Criteria: Myriad Autosomal Dominant, Autosomal Recessive and X-Linked Classification Criteria (2023). Collection method: clinical testing. Allele origin: unknown.
Comment: NM_002485.4(NBN):c.788T>C(F263S) is a missense variant classified as a variant of uncertain significance in the context of Nijmegen breakage syndrome. F263S has not been observed in cases with relevant disease. Relevant functional assessments of this variant are not available in the literature. F263S has been observed in referenced population frequency databases. In summary, there is insufficient evidence to classify NM_002485.4(NBN):c.788T>C(F263S) as pathogenic or benign. Please note: this variant was assessed in the context of healthy population screening.

Mendelics
Classification: Likely benign for Hereditary cancer. Last evaluated: 2024-01-23. Review status: criteria provided, single submitter. Criteria: ACMG Guidelines, 2015. Collection method: clinical testing. Allele origin: unknown.

GeneDx
Classification: Uncertain significance. Last evaluated: 2023-11-09. Review status: criteria provided, single submitter. Criteria: GeneDx Variant Classification Process June 2021. Collection method: clinical testing. Allele origin: germline. Affected: yes.
Comment: In silico analysis supports that this missense variant has a deleterious effect on protein structure/function; Observed in individuals with a personal or family history of breast, ovarian, and other cancers (PMID: 23555315, 24549055, 25186627, 36346689); This variant is associated with the following publications: (PMID: 24549055, 25186627, 23555315, 34072463, 24894818, 36346689)

Blueprint Genetics
Classification: Uncertain significance. Last evaluated: 2022-11-15. Review status: criteria provided, single submitter. Criteria: ACMG Guidelines, 2015. Collection method: clinical testing. Allele origin: germline.

Sema4
Classification: Uncertain significance for Hereditary cancer-predisposing syndrome. Last evaluated: 2021-12-21. Review status: criteria provided, single submitter. Criteria: Sema4 Curation Guidelines. Collection method: curation. Allele origin: germline.
Comment: The NBN c.788T>C (p.F263S) variant has been reported in individuals with breast and/or ovarian cancer (PMID: 25186627, 24549055, 23555315). This variant was observed in 53/24966 chromosomes in the African American (AFR) population, with no homozygotes, in the large and broad cohorts of the Genome Aggregation Database (PMID: 32461654). The variant has been reported in ClinVar (Variation ID: 127880). In silico tools suggest the impact of the variant on protein function is deleterious, though these predictions have not been confirmed by functional studies. The evidence is insufficient to meet ACMG/AMP criteria for classifying the variant as benign or pathogenic. Thus, the clinical significance of this variant is currently uncertain.

Genome-Nilou Lab
Classification: Likely benign for Microcephaly, normal intelligence and immunodeficiency. Last evaluated: 2021-11-07. Review status: criteria provided, single submitter. Criteria: ACMG Guidelines, 2015. Collection method: clinical testing. Allele origin: germline. Affected: no.

Ambry Genetics
Classification: Benign for Hereditary cancer-predisposing syndrome. Last evaluated: 2021-07-13. Review status: criteria provided, single submitter. Criteria: Ambry Variant Classification Scheme 2023. Collection method: clinical testing. Allele origin: germline.

Department of Pathology and Laboratory Medicine, Sinai Health System
Classification: Uncertain significance for Microcephaly, normal intelligence and immunodeficiency. Last evaluated: 2021-03-29. Review status: criteria provided, single submitter. Criteria: ACMG Guidelines, 2015. Collection method: clinical testing. Allele origin: germline. Affected: yes.

Women's Health and Genetics/Laboratory Corporation of America, LabCorp
Classification: Likely benign. Last evaluated: 2019-01-18. Review status: criteria provided, single submitter. Criteria: LabCorp Variant Classification Summary - May 2015. Collection method: clinical testing. Allele origin: germline.
Comment: Variant summary: NBN c.788T>C (p.Phe263Ser) results in a non-conservative amino acid change located in the Nibrin, second BRCT domain of the encoded protein sequence. Four of five in-silico tools predict a damaging effect of the variant on protein function. The variant allele was found at a frequency of 0.00019 in 277060 control chromosomes, predominantly at a frequency of 0.0022 within the African subpopulation in the gnomAD database. The observed variant frequency within African control individuals in the gnomAD database is approximately 17.6 fold of the estimated maximal expected allele frequency for a pathogenic variant in NBN causing Hereditary Breast and Ovarian Cancer phenotype (0.00013), strongly suggesting that the variant is a benign polymorphism found primarily in populations of African origin. c.788T>C has been reported in the literature in individuals affected with Breast and Ovarian Cancer (Castera_2014, Haiman_2013, Tung_2014). These report(s) do not provide unequivocal conclusions about association of the variant with Hereditary Breast and Ovarian Cancer. Co-occurrences with other pathogenic variant(s) have been reported (BRCA2 c.2808_2811delACAA, p.Ala938fsX21), providing supporting evidence for a benign role. To our knowledge, no experimental evidence demonstrating an impact on protein function has been reported. Six clinical diagnostic laboratories have submitted clinical-significance assessments for this variant to ClinVar after 2014 without evidence for independent evaluation. All laboratories classified the variant as uncertain significance. Based on the evidence outlined above, the variant was classified as likely benign.

Genetic Services Laboratory, University of Chicago
Classification: Uncertain significance. Last evaluated: 2016-04-27. Review status: criteria provided, single submitter. Criteria: ACMG Guidelines, 2015. Collection method: clinical testing. Allele origin: germline. Affected: no.

Literature cited by the submitters: PubMed 38446568 (cited by Quest Diagnostics Nichols Institute San Juan Capistrano); PubMed 36346689 (cited by Quest Diagnostics Nichols Institute San Juan Capistrano); PubMed 23555315 (cited by 3 submitters); PubMed 34072463 (cited by Quest Diagnostics Nichols Institute San Juan Capistrano); PubMed 24549055 (cited by 5 submitters); PubMed 25186627 (cited by 4 submitters).

NM_002485.5(NBN):c.788T>C (p.Phe263Ser)

Gene: NBN (nibrin; minus strand). Cytogenetic location: 8q21.3.
Variant type: single nucleotide variant.
Coding change: c.788T>C on transcript NM_002485.5 (MANE Select); coding-DNA position 788, T replaced by C.
Protein change: p.Phe263Ser; replaces phenylalanine 263 with serine.
Molecular consequence: missense variant.
Genome position (GRCh38, 1-based): chr8:89,970,472, A>G on the plus strand (T>C on the coding strand, the complement: NBN is on the minus strand). VCF-style: chr8-89970472-A-G. GRCh37 (hg19) VCF-style: chr8-90982700-A-G.
Other names: p.F263S:TTT>TCT; c.542T>C, p.Phe181Ser (NM_001024688.3); short protein forms F263S, F181S.
Identifiers: ClinVar variation 127880 (VCV000127880.45), dbSNP rs147626427, ClinGen allele CA287950.